The following is an entry in ClinVar:

NM_001943.5(DSG2):c.806T>C (p.Ile269Thr)

Gene: DSG2 (desmoglein 2; plus strand). Cytogenetic location: 18q12.1.
Variant type: single nucleotide variant.
Coding change: c.806T>C on transcript NM_001943.5 (MANE Select); coding-DNA position 806, T replaced by C.
Protein change: p.Ile269Thr; replaces isoleucine 269 with threonine.
Molecular consequence: missense variant.
Genome position (GRCh38, 1-based): chr18:31,524,563, T>C. VCF-style: chr18-31524563-T-C. GRCh37 (hg19) VCF-style: chr18-29104526-T-C.
Other names: short protein forms I269T.
Identifiers: ClinVar variation 163204 (VCV000163204.21), dbSNP rs727502986, ClinGen allele CA022269.

ClinVar aggregate classification (germline): Conflicting classifications of pathogenicity. Review status: criteria provided, conflicting classifications (1 of 4 stars). 8 submissions from 8 submitters: Uncertain significance (5); Benign (1); Likely benign (2). Last evaluated 2025-12-11.

Conditions:
Cardiovascular phenotype. Identifiers: MedGen CN230736.
Arrhythmogenic right ventricular dysplasia 10. Also called: Arrhythmogenic right ventricular dysplasia/cardiomyopathy, type 10; Arrhythmogenic Right Ventricular Dysplasia/Cardiomyopathy10; ARRHYTHMOGENIC RIGHT VENTRICULAR DYSPLASIA, FAMILIAL, 10. Identifiers: MedGen C1857777, MONDO:0012434, OMIM 610193.
Dilated cardiomyopathy 1BB (CMD1BB). Also called: CARDIOMYOPATHY, DILATED, 1BB, SUSCEPTIBILITY TO. Identifiers: Orphanet 154, MedGen C2752072, MONDO:0013030, OMIM 612877.
Cardiomyopathy (CMYO). Also called: Cardiomyopathies. Identifiers: Orphanet 167848, MedGen C0878544, MONDO:0004994, HP:0001638. Inheritance: Various modes of inheritance.
Arrhythmogenic right ventricular cardiomyopathy (ARVD). Also called: Arrhythmogenic cardiomyopathy; Arrhythmogenic Right Ventricular Cardiomyopathy (ARVC); Cardiomyopathy, ARVC; Arrhythmogenic right ventricular dysplasia. Identifiers: Orphanet 247, MedGen C0349788, MeSH D019571, MONDO:0016587. Disease mechanism: loss of function. Inheritance: Various modes of inheritance.

Allele frequency attached by ClinVar (database versions not stated): gnomAD exomes 0.00005 and 0.00001; TOPMed 0.00006; gnomAD 0.00003; ExAC 0.00005.
gnomAD v4.1: 21 of 1,613,942 alleles (0.0013%); highest among the groups gnomAD compares: Admixed American, 0.035%; no homozygotes.

Submissions (8):

Women's Health and Genetics/Laboratory Corporation of America, LabCorp
Classification: Uncertain significance. Last evaluated: 2025-12-11. Review status: criteria provided, single submitter. Criteria: LabCorp Variant Classification Summary - May 2015. Collection method: clinical testing. Allele origin: germline.
Comment: Variant summary: DSG2 c.806T>C (p.Ile269Thr) results in a non-conservative amino acid change in the encoded protein sequence. Algorithms developed to predict the effect of missense changes on protein structure and function are either unavailable or do not agree on the potential impact of this missense change. The variant allele was found at a frequency of 4.8e-05 in 248780 control chromosomes. This frequency is not significantly higher than estimated for disease-causing variants in DSG2, allowing no conclusion about variant significance. c.806T>C has been observed in individual(s) affected with Arrhythmogenic Right Ventricular Dysplasia/Cardiomyopathy (Fressart_2010). These report(s) do not provide unequivocal conclusions about association of the variant with Arrhythmogenic Right Ventricular Dysplasia/Cardiomyopathy. To our knowledge, no experimental evidence demonstrating an impact on protein function has been reported. The following publication have been ascertained in the context of this evaluation (PMID: 20400443). ClinVar contains an entry for this variant (Variation ID: 163204). Based on the evidence outlined above, the variant was classified as uncertain significance.

Labcorp Genetics (formerly Invitae), Labcorp
Classification: Uncertain significance for Arrhythmogenic right ventricular dysplasia 10. Last evaluated: 2025-12-08. Review status: criteria provided, single submitter. Criteria: Invitae Variant Classification Sherloc (09022015). Collection method: clinical testing. Allele origin: germline.
Comment: This sequence change replaces isoleucine, which is neutral and non-polar, with threonine, which is neutral and polar, at codon 269 of the DSG2 protein (p.Ile269Thr). This variant is present in population databases (rs727502986, gnomAD 0.04%). This missense change has been observed in individual(s) with arrhythmogenic right ventricular cardiomyopathy (PMID: 20400443). ClinVar contains an entry for this variant (Variation ID: 163204). Invitae Evidence Modeling of protein sequence and biophysical properties (such as structural, functional, and spatial information, amino acid conservation, physicochemical variation, residue mobility, and thermodynamic stability) has been performed for this missense variant. However, the output from this modeling did not meet the statistical confidence thresholds required to predict the impact of this variant on DSG2 protein function. In summary, the available evidence is currently insufficient to determine the role of this variant in disease. Therefore, it has been classified as a Variant of Uncertain Significance.

Ambry Genetics
Classification: Benign for Cardiovascular phenotype. Last evaluated: 2025-04-21. Review status: criteria provided, single submitter. Criteria: Ambry Variant Classification Scheme 2023. Collection method: clinical testing. Allele origin: germline.

All of Us Research Program, National Institutes of Health
Classification: Likely benign for Arrhythmogenic right ventricular cardiomyopathy. Last evaluated: 2023-11-20. Review status: criteria provided, single submitter. Criteria: ACMG Guidelines, 2015. Collection method: clinical testing. Allele origin: germline. Inheritance: Autosomal dominant inheritance. Observed: 2 variant alleles, 2 heterozygotes.
Comment: This missense variant replaces isoleucine with threonine at codon 269 of the DSG2 protein. Computational prediction tools and conservation analyses are inconclusive regarding the impact of this variant on the protein function. Computational splicing tools suggest that this variant may not impact RNA splicing. To our knowledge, functional assays have not been performed for this variant. This variant has been reported in one individual affected with arrhythmogenic right ventricular cardiomyopathy (PMID: 20400443). This variant has also been identified in 12/248780 chromosomes in the general population by the Genome Aggregation Database (gnomAD). Available evidence is insufficient to determine the role of this variant in disease conclusively. Therefore, this variant is classified as a Variant of Uncertain Significance.

This study involves interpretation of variants in research participants for the purpose of population health screening. Participant phenotype was not available at the time of variant classification. Additional details can be found in publication PMID: 35346344, PMCID: PMC8962531

Color Diagnostics, LLC DBA Color Health
Classification: Likely benign for Cardiomyopathy. Last evaluated: 2023-03-09. Review status: criteria provided, single submitter. Criteria: ACMG Guidelines, 2015. Collection method: clinical testing. Allele origin: germline.

Fulgent Genetics
Classification: Uncertain significance for Arrhythmogenic right ventricular dysplasia 10; Dilated cardiomyopathy 1BB. Last evaluated: 2021-08-03. Review status: criteria provided, single submitter. Criteria: ACMG Guidelines, 2015. Collection method: clinical testing. Allele origin: unknown.

GeneDx
Classification: Uncertain significance. Last evaluated: 2021-02-02. Review status: criteria provided, single submitter. Criteria: GeneDx Variant Classification Process June 2021. Collection method: clinical testing. Allele origin: germline. Affected: yes.
Comment: Identified in a patient with arrhythmogenic right ventricular cardiomyopathy (ARVC) (Fressart et al., 2010); Reported in ClinVar as a variant of uncertain significance (ClinVar Variant ID# 163204; Landrum et al., 2016); In silico analysis supports that this missense variant has a deleterious effect on protein structure/function; This variant is associated with the following publications: (PMID: 20400443)

Laboratory for Molecular Medicine, Mass General Brigham Personalized Medicine
Classification: Uncertain significance. Last evaluated: 2015-01-29. Review status: criteria provided, single submitter. Criteria: LMM Criteria. Collection method: clinical testing. Allele origin: germline. Observed: 2 variant alleles.
Comment: The p.Ile269Thr variant in DSG2 has been reported in 1 individual with ARVC (Fre ssart 2010) and has been identified in 6/11544 of Latino chromosomes by the Exom e Aggregation Consortium (ExAC). Computational p rediction tools and conservation analysis do not provide strong support for or a gainst an impact to the protein. In summary, the clinical significance of the p. Ile269Thr variant is uncertain.

Literature cited by the submitters: PubMed 20400443 (cited by 5 submitters).